The following is an entry in ClinVar:

NM_000260.4(MYO7A):c.3631-1G>A

Gene: MYO7A (myosin VIIA; plus strand). Cytogenetic location: 11q13.5.
Variant type: single nucleotide variant.
Coding change: c.3631-1G>A on transcript NM_000260.4 (MANE Select); the canonical splice acceptor site of the intron before coding-DNA position 3631, G replaced by A.
Molecular consequence: splice acceptor variant.
Genome position (GRCh38, 1-based): chr11:77,190,019, G>A. VCF-style: chr11-77190019-G-A. GRCh37 (hg19) VCF-style: chr11-76901064-G-A.
Other names: c.3598-1G>A (NM_001369365.1); c.3631-1G>A (NM_001127180.2).
Identifiers: ClinVar variation 4818023 (VCV004818023.2).

ClinVar aggregate classification (germline): Likely pathogenic. Review status: criteria provided, multiple submitters, no conflicts (2 of 4 stars). 2 submissions from 2 submitters: Likely pathogenic (2). Last evaluated 2024-12-22.

Conditions:
MYO7A-related disorder. Also called: MYO7A-related disorders.
Usher syndrome type 1B (USH1B). Also called: Usher syndrome type IB. Identifiers: MedGen C1848638, MONDO:0700087.

Submissions (2):

Natera, Inc.
Classification: Likely pathogenic for Usher syndrome type 1B. Last evaluated: 2024-12-22. Review status: criteria provided, single submitter. Criteria: Natera Variant Classification Schema (03/2026). Collection method: clinical testing. Allele origin: germline.
Comment: The c.3631-1G>A variant in MYO7A is a canonical splice acceptor site variant predicted to affect pre-mRNA splicing, which may result in an abnormal transcript and altered protein product. This variant is expected to result in nonsense mediated decay, truncation, or a dysfunctional protein product. This variant is rare in the general population with a frequency below the threshold expected for the associated phenotype(s). This variant has been observed in one or more individuals affected with the associated recessive disease, as either homozygous or compound heterozygous with a second variant (PMID: 26969326). Given the available evidence, this variant is classified as Likely Pathogenic.

Blueprint Genetics
Classification: Likely pathogenic for MYO7A-related disorders. Last evaluated: 2021-11-22. Review status: criteria provided, single submitter. Criteria: ACMG Guidelines, 2015. Collection method: clinical testing. Allele origin: germline. Affected: yes. Observed: 1 variant allele.

Literature cited by the submitters: PubMed 26969326 (cited by Natera, Inc.).